The following continues an entry in ClinVar:

NM_024818.6(UBA5):c.1111G>A (p.Ala371Thr)

ClinVar aggregate classification (germline): Pathogenic/Likely pathogenic/Pathogenic, low penetrance. Pathogenic (26); Likely pathogenic (1); Pathogenic, low penetrance (1).

Submissions 8 to 20 of 33:

ARUP Laboratories, Molecular Genetics and Genomics, ARUP Laboratories
Classification: Pathogenic. Last evaluated: 2025-04-16. Review status: criteria provided, single submitter. Criteria: ARUP Molecular Germline Variant Investigation Process 2024. Collection method: clinical testing. Allele origin: germline.
Comment: The UBA5 c.1111G>A; p.Ala371Thr variant (rs114925667, ClinVar Variation ID: 265745) is reported in the literature in individuals affected with UBA5-related disorders who also carry a pathogenic variant in trans and has been shown to segregate in families (Arnadottir 2017, Briere 2021, Chitre 2018, Colin 2016, Muona 2016). Additionally, this variant has been reported in healthy homozygous individuals, suggesting this is a hypomorphic allele (Arnadottir 2017). In vitro functional analyses demonstrate that this variant retains its interactions with UFM1 but reduces UFM1 conjugation to UFC1, supporting that this is a hypomorphic allele (Briere 2021, Colin 2016, Muona 2016). This variant is found in the general population with an overall allele frequency of 0.2% (517/274,744 alleles) in the Genome Aggregation Database (v2.1.1). Computational analyses are uncertain whether this variant is neutral or deleterious (REVEL: 0.679). Based on available information, this variant is considered to be pathogenic. References: Arnadottir GA et al. Compound heterozygous mutations in UBA5 causing early-onset epileptic encephalopathy in two sisters. BMC Med Genet. 2017 Oct 2;18(1):103. PMID: 28965491. Briere LC et al. A description of novel variants and review of phenotypic spectrum in UBA5-related early epileptic encephalopathy. Cold Spring Harb Mol Case Stud. 2021 Jun 11;7(3):a005827. PMID: 33811063. Chitre M et al. PEHO syndrome: the endpoint of different genetic epilepsies. J Med Genet. 2018 Dec;55(12):803-813. PMID: 30287594. Colin E et al. Biallelic Variants in UBA5 Reveal that Disruption of the UFM1 Cascade Can Result in Early-Onset Encephalopathy. Am J Hum Genet. 2016 Sep 1;99(3):695-703. PMID: 27545681. Muona M et al. Biallelic Variants in UBA5 Link Dysfunctional UFM1 Ubiquitin-like Modifier Pathway to Severe Infantile-Onset Encephalopathy. Am J Hum Genet. 2016 Sep 1;99(3):683-694. PMID: 27545674.

3billion
Classification: Pathogenic for Developmental and epileptic encephalopathy, 44. Last evaluated: 2025-03-27. Review status: criteria provided, single submitter. Criteria: ACMG Guidelines, 2015. Collection method: clinical testing. Allele origin: germline. Affected: yes.
Comment: The variant is observed at an extremely low frequency in the gnomAD v4.1.0 dataset (total allele frequency: 0.270%). Predicted Consequence/Location: Missense variant Functional studies provide strong evidence of the variant having a damaging effect on the gene or gene product (PMID: 27545674, 27545681). In silico tool predictions suggest damaging effect of the variant on gene or gene product [REVEL: 0.68 (>=0.6, sensitivity 0.68 and specificity 0.92); 3Cnet: 0.65 (> 0.75, sensitivity 0.96 and precision 0.92)]. The same nucleotide change resulting in the same amino acid change has been previously reported as pathogenic/likely pathogenic with strong evidence (ClinVar ID: VCV000265745 / PMID: 27545681). The variant has been reported to be in trans with a pathogenic variant as either compound heterozygous or homozygous in at least 4 similarly affected unrelated individuals (PMID: 27545681). Therefore, this variant is classified as Pathogenic according to the recommendation of ACMG/AMP guideline.

Variantyx, Inc.
Classification: Pathogenic for Developmental and epileptic encephalopathy, 44. Last evaluated: 2025-03-27. Review status: criteria provided, single submitter. Criteria: Variantyx Assertion Criteria 2022. Collection method: clinical testing. Allele origin: germline. Inheritance: Autosomal recessive inheritance. Affected: yes.
Comment: This is a nonsynonymous variant in the UBA5 gene (OMIM: 610552). Pathogenic variants in this gene have been associated with autosomal recessive UBA5-related disorders. This variant has been reported in the compound heterozygous state in multiple unrelated affected individuals (PMID: 27545674, 27545681, 28965491, 29286531, 33811063) (PM3_Very_Strong). Functional studies have shown that this variant alters UBA5 protein function (PMID: 27545674, 27545681, 33811063) (PS3_Moderate). Multiple computational algorithms predict a deleterious effect for this variant (REVEL score: 0.679) (PP3). This variant has a 0.3184% maximum allele frequency in non-founder control populations. Based on the current evidence, this variant is classified as pathogenic for autosomal recessive UBA5-related disorders.

Laboratory of Genetics, Children's Clinical University Hospital Latvia
Classification: Pathogenic. Last evaluated: 2025-02-16. Review status: criteria provided, single submitter. Criteria: ACMG Guidelines, 2015. Collection method: clinical testing. Allele origin: germline. Affected: yes.

Blueprint Genetics
Classification: Pathogenic for UBA5-related disorders. Last evaluated: 2024-11-15. Review status: criteria provided, single submitter. Criteria: ACMG Guidelines, 2015. Collection method: clinical testing. Allele origin: germline. Affected: yes. Observed: 5 variant alleles.

GeneDx
Classification: Pathogenic. Last evaluated: 2024-06-14. Review status: criteria provided, single submitter. Criteria: GeneDx Variant Classification Process June 2021. Collection method: clinical testing. Allele origin: germline. Affected: yes.
Comment: Published functional studies demonstrate a slightly reduced activity on UFM1 activation with an attenuated ability to transfer the activated UFM1 to UFC1 (PMID: 27545674, 27545681, 27926783); In silico analysis supports that this missense variant has a deleterious effect on protein structure/function; This variant is associated with the following publications: (PMID: 30287594, 27545681, 27545674, 27926783, 28965491, 2179706, 32149490, 31980526, 34426522, 34299007, 33811063, 33726816, 34588452, 38079206, 36680403, 37947621, 38328212, 37432431, 37838930, 37945409)

Laboratoire Génétique Moléculaire, CHRU TOURS
Classification: Pathogenic for Developmental and epileptic encephalopathy, 44. Last evaluated: 2024-03-14. Review status: criteria provided, single submitter. Criteria: ACMG Guidelines, 2015. Collection method: clinical testing. Allele origin: paternal. Affected: yes.
Comment: PS3;PS4;PM3;PP3;PP4;PP5

Revvity Omics, Revvity
Classification: Pathogenic. Last evaluated: 2024-01-11. Review status: criteria provided, single submitter. Criteria: ACMG Guidelines, 2015. Collection method: clinical testing. Allele origin: germline.

Rady Children's Institute for Genomic Medicine, Rady Children's Hospital San Diego
Classification: Pathogenic for UBA5-related disorders. Last evaluated: 2023-10-25. Review status: criteria provided, single submitter. Criteria: ACMG Guidelines, 2015. Collection method: clinical testing. Allele origin: germline. Affected: yes.
Comment: The c.1111G>A (p.Ala371Thr) variant affects a highly conserved amino acid and is predicted by multiple in silico tools to have a deleterious effect on protein function. This variant has been previously reported as a compound heterozygous change in individuals with early-onset epileptic encephalopathy and PEHO-like syndrome (PMID: 27545674, 29286531, 28965491, 30287594). PEHO-like syndrome describes progressive encephalopathy with edema, hypsarrhythmia and optic atrophy (PEHO) without optic nerve atrophy and brain imaging abnormalities, suggested to be at the severe spectrum of early-onset encephalopathies (PMID: 27343026). Results from an in vitro study provide evidence that this variant is hypomorphic and leads to reduced thioester formation activity (PMID: 27545674). The c.1111G>A (p.Ala371Thr) variant is present in the heterozygous state in the gnomAD population database at a frequency of 0.19% (517/274744), and is absent in the homozygous state. Based on the available evidence, c.1111G>A (p.Ala371Thr) is classified as Pathogenic.

Department of Pathology and Laboratory Medicine, Sinai Health System
Classification: Pathogenic for Developmental and epileptic encephalopathy, 44. Last evaluated: 2023-07-18. Review status: criteria provided, single submitter. Criteria: ACMG Guidelines, 2015. Collection method: research. Allele origin: germline.

Women's Health and Genetics/Laboratory Corporation of America, LabCorp
Classification: Pathogenic for UBA5-Related Disorders. Last evaluated: 2023-07-14. Review status: criteria provided, single submitter. Criteria: LabCorp Variant Classification Summary - May 2015. Collection method: clinical testing. Allele origin: germline.
Comment: Variant summary: UBA5 c.1111G>A (p.Ala371Thr) results in a non-conservative amino acid change in the encoded protein sequence. Five of five in-silico tools predict a damaging effect of the variant on protein function. The variant allele was found at a frequency of 0.0019 in 243374 control chromosomes, predominately at a frequency of 0.0059 in the Finnish European subpopulation in the gnomAD database. However, it has been reported as a hypomorphic allele, expected to result in disease only when found in trans with a pathogenic variant (e.g. Colin_2016, Muona_2016). Indeed, c.1111G>A has been reported in the literature in the compound heterozygous state in trans with a pathogenic variant in multiple individuals affected with Early Onset Encephalopathy from at least seven different families and has been found to segregate with disease (e.g. Colin_2016, Muona_2016). These data indicate that the variant is very likely to be a hypomorphic allele associated with disease. Experimental studies evaluating an impact on protein function found that the variant results in decreased E1 activity compared to the wild-type protein, but retains the ability to form the intermmediate between UFC1 and UFM1, although at a slower reaction rate, further supporting that the variant functions as a hypomorphic allele (e.g. Colin_2016, Muona_2016). The following publications have been ascertained in the context of this evaluation (PMID: 27545681, 27545674). Thirteen submitters have cited clinical-significance assessments for this variant to ClinVar after 2014 and all classified the variant as pathogenic (n=12)/likely pathogenic (n=1). Based on the evidence outlined above, the variant was classified as pathogenic.

New York Genome Center
Classification: Pathogenic for Spinocerebellar ataxia, autosomal recessive 24; Developmental and epileptic encephalopathy, 44. Last evaluated: 2023-05-05. Review status: criteria provided, single submitter. Criteria: NYGC Assertion Criteria 2020. Collection method: clinical testing. Allele origin: inherited. Observed: 1 heterozygote.

Mendelics
Classification: Pathogenic for Developmental and epileptic encephalopathy, 44. Last evaluated: 2022-05-04. Review status: criteria provided, single submitter. Criteria: Mendelics Assertion Criteria 2019. Collection method: clinical testing. Allele origin: germline.